The following is an entry in ClinVar:

ClinVar aggregate classification (germline): Likely pathogenic. Review status: criteria provided, multiple submitters, no conflicts (2 of 4 stars). 5 submissions from 5 submitters: Likely pathogenic (4). 1 of the submissions does not count toward it. Last evaluated 2025-09-10.

Conditions:
Congenital hereditary endothelial dystrophy of cornea. Also called: Congenital hereditary endothelial dystrophy of the cornea; Maumenee corneal dystrophy; Congenital hereditary endothelial dystrophy type II; CORNEAL DYSTROPHY, CONGENITAL HEREDITARY ENDOTHELIAL; Corneal endothelial dystrophy, autosomal recessive. Identifiers: Orphanet 293603, MedGen C1857569, MONDO:0009019, OMIM 217700.
Corneal dystrophy-perceptive deafness syndrome (CDPD). Also called: CORNEAL DYSTROPHY AND SENSORINEURAL DEAFNESS; HARBOYAN SYNDROME. Identifiers: Orphanet 1490, MedGen C1857572, MONDO:0009015, OMIM 217400.
Corneal dystrophy, Fuchs endothelial, 4 (FECD4). Identifiers: Orphanet 98974, MedGen C2750450, MONDO:0013204, OMIM 613268.

Allele frequency attached by ClinVar (database versions not stated): gnomAD exomes below 0.00001 and 0.00001; TOPMed 0.00001.
gnomAD v4.1: 4 of 1,613,314 alleles (0.00025%); highest among the groups gnomAD compares: East Asian, 0.0022%; no homozygotes.

Submissions (5):

Genomic Medicine Center of Excellence, King Faisal Specialist Hospital and Research Centre
Classification: Likely pathogenic for Congenital hereditary endothelial dystrophy of cornea. Last evaluated: 2025-09-10. Review status: criteria provided, single submitter. Criteria: ACMG Guidelines, 2015. Collection method: clinical testing. Allele origin: germline.

Labcorp Genetics (formerly Invitae), Labcorp
Classification: Likely pathogenic. Last evaluated: 2023-11-21. Review status: criteria provided, single submitter. Criteria: Invitae Variant Classification Sherloc (09022015). Collection method: clinical testing. Allele origin: germline.
Comment: This sequence change replaces glycine, which is neutral and non-polar, with arginine, which is basic and polar, at codon 417 of the SLC4A11 protein (p.Gly417Arg). The frequency data for this variant in the population databases is considered unreliable, as metrics indicate poor data quality at this position in the gnomAD database. This missense change has been observed in individuals with congenital hereditary endothelial dystrophy (PMID: 23922488, 31714402). ClinVar contains an entry for this variant (Variation ID: 1068021). Advanced modeling of protein sequence and biophysical properties (such as structural, functional, and spatial information, amino acid conservation, physicochemical variation, residue mobility, and thermodynamic stability) has been performed at Invitae for this missense variant, however the output from this modeling did not meet the statistical confidence thresholds required to predict the impact of this variant on SLC4A11 protein function. Experimental studies have shown that this missense change affects SLC4A11 function (PMID: 29327391). In summary, the currently available evidence indicates that the variant is pathogenic, but additional data are needed to prove that conclusively. Therefore, this variant has been classified as Likely Pathogenic.

Fulgent Genetics
Classification: Likely pathogenic for Corneal dystrophy-perceptive deafness syndrome; Congenital hereditary endothelial dystrophy of cornea; Corneal dystrophy, Fuchs endothelial, 4. Last evaluated: 2021-11-02. Review status: criteria provided, single submitter. Criteria: ACMG Guidelines, 2015. Collection method: clinical testing. Allele origin: unknown.

Women's Health and Genetics/Laboratory Corporation of America, LabCorp
Classification: Likely pathogenic for Corneal dystrophy-perceptive deafness syndrome. Last evaluated: 2021-10-31. Review status: criteria provided, single submitter. Criteria: LabCorp Variant Classification Summary - May 2015. Collection method: clinical testing. Allele origin: germline.
Comment: Variant summary: SLC4A11 c.1249G>A (p.Gly417Arg) results in a non-conservative amino acid change located in the Bicarbonate transporter, C-terminal domain (IPR011531) of the encoded protein sequence. Five of five in-silico tools predict a damaging effect of the variant on protein function. The variant allele was found at a frequency of 8.1e-06 in 247632 control chromosomes. c.1249G>A has been reported in the literature in multiple individuals affected with Congenital hereditary endothelial dystrophy 2 (CHED2) (example, Kodaganur_2013, Chaurasia_2020). These data indicate that the variant is likely to be associated with disease. At least one publication reports experimental evidence evaluating an impact on protein function as an ER-retained mutant with reduced cell surface abundance (Alka_2018). One clinical diagnostic laboratory has submitted clinical-significance assessments for this variant to ClinVar after 2014 without evidence for independent evaluation and classified the variant as likely pathogenic. Based on the evidence outlined above, the variant was classified as likely pathogenic.

Natera, Inc.
Classification: Likely pathogenic for Corneal dystrophy-perceptive deafness syndrome. Last evaluated: 2020-10-29. Review status: no assertion criteria provided. Collection method: clinical testing. Allele origin: germline. Not counted in ClinVar's aggregate classification.

Literature cited by the submitters: PubMed 23922488 (cited by Labcorp Genetics (formerly Invitae), Labcorp and Women's Health and Genetics/Laboratory Corporation of America, LabCorp); PubMed 31714402 (cited by Labcorp Genetics (formerly Invitae), Labcorp and Women's Health and Genetics/Laboratory Corporation of America, LabCorp); PubMed 29327391 (cited by Labcorp Genetics (formerly Invitae), Labcorp and Women's Health and Genetics/Laboratory Corporation of America, LabCorp).

NM_001174089.2(SLC4A11):c.1201G>A (p.Gly401Arg)

Gene: SLC4A11 (solute carrier family 4 member 11; minus strand). Cytogenetic location: 20p13.
Variant type: single nucleotide variant.
Coding change: c.1201G>A on transcript NM_001174089.2 (MANE Select); coding-DNA position 1201, G replaced by A.
Protein change: p.Gly401Arg; replaces glycine 401 with arginine.
Molecular consequence: missense variant. On other transcripts: non-coding transcript variant (1), intron variant (1).
Genome position (GRCh38, 1-based): chr20:3,230,813, C>T on the plus strand (G>A on the coding strand, the complement: SLC4A11 is on the minus strand). VCF-style: chr20-3230813-C-T. GRCh37 (hg19) VCF-style: chr20-3211459-C-T.
Other names: c.1330G>A, p.Gly444Arg (NM_001174090.2); c.1249G>A, p.Gly417Arg (NM_032034.4); c.1168+120G>A (NM_001363745.2); short protein forms G401R, G417R, G444R.
Identifiers: ClinVar variation 1068021 (VCV001068021.16), dbSNP rs1233324021, ClinGen allele CA408088998.
Genomic context (GRCh38, chr20:3,230,813, plus strand): 5'-GCGCGGTGGTCAGCAGAATCACCAATGGCTGCCCAGAGAAGAGCGCGTAGAGCAGGCCCC[C>T]GATGCTCTGCCCGGCTATGGTCTTCTGCACGTCTGTGGGGGTGCGGAGGTCAGGTGGGCG-3'
Protein context (NP_001167560.1, residues 391-411): VQKTIAGQSI[Gly401Arg]GLLYALFSGQ